The following is an entry in ClinVar:

NM_000059.4(BRCA2):c.2632G>C (p.Asp878His)

Gene: BRCA2 (BRCA2 DNA repair associated; plus strand). Cytogenetic location: 13q13.1.
Variant type: single nucleotide variant.
Coding change: c.2632G>C on transcript NM_000059.4 (MANE Select); coding-DNA position 2632, G replaced by C.
Protein change: p.Asp878His; replaces aspartic acid 878 with histidine.
Molecular consequence: missense variant.
Genome position (GRCh38, 1-based): chr13:32,336,987, G>C. VCF-style: chr13-32336987-G-C. GRCh37 (hg19) VCF-style: chr13-32911124-G-C.
Other names: short protein forms D878H.
Identifiers: ClinVar variation 690293 (VCV000690293.18), dbSNP rs1593897379, ClinGen allele CA387773231.
Genomic context (GRCh38, chr13:32,336,987, plus strand): 5'-AGAGTAATCCAAAAAAATCAAGAAGAAACTACTTCAATTTCAAAAATAACTGTCAATCCA[G>C]ACTCTGAAGAACTTTTCTCAGACAATGAGAATAATTTTGTCTTCCAAGTAGCTAATGAAA-3'
Protein context (NP_000050.3, residues 868-888): TSISKITVNP[Asp878His]SEELFSDNEN

ClinVar aggregate classification (germline): Conflicting classifications of pathogenicity. Review status: criteria provided, conflicting classifications (1 of 4 stars). 5 submissions from 5 submitters: Uncertain significance (2); Likely benign (2). 1 of the submissions does not count toward it. Last evaluated 2025-07-16.

Conditions:
Familial cancer of breast. Also called: hereditary breast carcinoma; Hereditary breast cancer; BREAST CANCER, FAMILIAL. Identifiers: Orphanet 227535, MedGen C0346153, MONDO:0016419, OMIM 114480. Disease mechanism: loss of function.
Hereditary cancer-predisposing syndrome. Also called: Neoplastic Syndromes, Hereditary; Tumor predisposition; Hereditary neoplastic syndrome; Hereditary Cancer Syndrome. Identifiers: Orphanet 140162, MedGen C0027672, MeSH D009386, MONDO:0015356.
Hereditary breast ovarian cancer syndrome. Also called: Hereditary breast and ovarian cancer; Hereditary breast and ovarian cancer syndrome (HBOC); BRCA1- and BRCA2-Associated Hereditary Breast and Ovarian Cancer; Breast and ovarian cancer; Hereditary breast and/or ovarian cancer syndrome; Hereditary breast and ovarian cancer syndrome. Identifiers: Orphanet 145, MedGen C0677776, MeSH D061325, MONDO:0003582. Disease mechanism: loss of function.

Submissions (5):

Ambry Genetics
Classification: Uncertain significance for Hereditary cancer-predisposing syndrome. Last evaluated: 2025-07-16. Review status: criteria provided, single submitter. Criteria: Ambry Variant Classification Scheme 2023. Collection method: clinical testing. Allele origin: germline.
Comment: The p.D878H variant (also known as c.2632G>C), located in coding exon 10 of the BRCA2 gene, results from a G to C substitution at nucleotide position 2632. The aspartic acid at codon 878 is replaced by histidine, an amino acid with similar properties. This amino acid position is poorly conserved in available vertebrate species. In addition, this alteration is predicted to be tolerated by in silico analysis. Since supporting evidence is limited at this time, the clinical significance of this alteration remains unclear.

Labcorp Genetics (formerly Invitae), Labcorp
Classification: Likely benign for Hereditary breast ovarian cancer syndrome. Last evaluated: 2024-04-15. Review status: criteria provided, single submitter. Criteria: Invitae Variant Classification Sherloc (09022015). Collection method: clinical testing. Allele origin: germline.

University of Washington Department of Laboratory Medicine, University of Washington
Classification: Likely benign for Hereditary cancer-predisposing syndrome. Last evaluated: 2023-03-23. Review status: criteria provided, single submitter. Criteria: Dines et al. (Genet Med. 2020). Collection method: curation. Allele origin: germline.
Comment: Missense variant in a coldspot region where missense variants are very unlikely to be pathogenic (PMID:31911673).

BRCA2 exon 11 coldspot. Reclassification based on statistical prior probability.

Color Diagnostics, LLC DBA Color Health
Classification: Uncertain significance for Hereditary cancer-predisposing syndrome. Last evaluated: 2021-03-22. Review status: criteria provided, single submitter. Criteria: ACMG Guidelines, 2015. Collection method: clinical testing. Allele origin: germline.
Comment: This missense variant replaces aspartic acid with histidine at codon 878 of the BRCA2 protein. Computational prediction suggests that this variant may not impact protein structure and function (internally defined REVEL score threshold <= 0.5, PMID: 27666373). To our knowledge, functional studies have not been reported for this variant. A multifactorial likelihood model using [health history, in silico, and experimental data] has suggested this variant have a high probability of being pathogenic (PMID: 31131967). This variant has not been reported in individuals affected with hereditary cancer in the literature. This variant has not been identified in the general population by the Genome Aggregation Database (gnomAD). The available evidence is insufficient to determine the role of this variant in disease conclusively. Therefore, this variant is classified as a Variant of Uncertain Significance.

Center of Medical Genetics and Primary Health Care
Classification: risk factor for Familial cancer of breast. Review status: no assertion criteria provided. Collection method: research. Allele origin: germline. Affected: yes. Observed: 2 variant alleles, 2 heterozygotes. Not counted in ClinVar's aggregate classification.